The following is an entry in ClinVar:

NM_033198.4(PIGS):c.1204C>T (p.Pro402Ser)

Gene: PIGS (phosphatidylinositol glycan anchor biosynthesis class S; minus strand). Cytogenetic location: 17q11.2.
Variant type: single nucleotide variant.
Coding change: c.1204C>T on transcript NM_033198.4 (MANE Select); coding-DNA position 1204, C replaced by T.
Protein change: p.Pro402Ser; replaces proline 402 with serine.
Molecular consequence: missense variant.
Genome position (GRCh38, 1-based): chr17:28,555,039, G>A on the plus strand (C>T on the coding strand, the complement: PIGS is on the minus strand). VCF-style: chr17-28555039-G-A. GRCh37 (hg19) VCF-style: chr17-26882057-G-A.
Other names: short protein forms P402S.
Identifiers: ClinVar variation 1031035 (VCV001031035.2), dbSNP rs202198474, ClinGen allele CA8460042.

ClinVar aggregate classification (germline): Uncertain significance. Review status: criteria provided, multiple submitters, no conflicts (2 of 4 stars). 2 submissions from 2 submitters: Uncertain significance (2). Last evaluated 2025-08-02.

Conditions:
Glycosylphosphatidylinositol biosynthesis defect 18. Also called: DEVELOPMENTAL AND EPILEPTIC ENCEPHALOPATHY 95. Identifiers: MedGen C4748357, MONDO:0029140, OMIM 618143.
Inborn genetic diseases. Identifiers: MedGen C0950123, MeSH D030342.

Allele frequency attached by ClinVar (database versions not stated): ExAC 0.00002; gnomAD exomes 0.00003; gnomAD 0.00018 and 0.00019; TOPMed 0.00033; 1000 Genomes Project 0.00040; 1000 Genomes Project 30x 0.00047.
gnomAD v4.1: 46 of 1,612,798 alleles (0.0029%); highest among the groups gnomAD compares: Admixed American, 0.062%; no homozygotes.

Submissions (2):

Ambry Genetics
Classification: Uncertain significance for Inborn genetic diseases. Last evaluated: 2025-08-02. Review status: criteria provided, single submitter. Criteria: Ambry Variant Classification Scheme 2023. Collection method: clinical testing. Allele origin: germline.

Baylor Genetics
Classification: Uncertain significance for Glycosylphosphatidylinositol biosynthesis defect 18. Last evaluated: 2019-12-10. Review status: criteria provided, single submitter. Criteria: ACMG Guidelines, 2015. Collection method: clinical testing. Allele origin: unknown. Affected: yes.
Comment: This variant was determined to be of uncertain significance according to ACMG Guidelines, 2015 [PMID:25741868].